The following is an entry in ClinVar:

NM_000236.3(LIPC):c.266G>T (p.Gly89Val)

Gene: LIPC (lipase C, hepatic type; plus strand). Cytogenetic location: 15q21.3.
Variant type: single nucleotide variant.
Coding change: c.266G>T on transcript NM_000236.3 (MANE Select); coding-DNA position 266, G replaced by T.
Protein change: p.Gly89Val; replaces glycine 89 with valine.
Molecular consequence: missense variant.
Genome position (GRCh38, 1-based): chr15:58,538,510, G>T. VCF-style: chr15-58538510-G-T. GRCh37 (hg19) VCF-style: chr15-58830709-G-T.
Other names: short protein forms G89V.
Identifiers: ClinVar variation 3686045 (VCV003686045.2).

ClinVar aggregate classification (germline): Uncertain significance (1 of 4 stars; one submission).

gnomAD v4.1: 19 of 1,613,946 alleles (0.0012%); highest among the groups gnomAD compares: East Asian, 0.0045%; no homozygotes.

Submission:

Labcorp Genetics (formerly Invitae), Labcorp
Classification: Uncertain significance. Last evaluated: 2024-08-27. Review status: criteria provided, single submitter. Criteria: Invitae Variant Classification Sherloc (09022015). Collection method: clinical testing. Allele origin: germline.
Comment: This sequence change replaces glycine, which is neutral and non-polar, with valine, which is neutral and non-polar, at codon 89 of the LIPC protein (p.Gly89Val). This variant is not present in population databases (gnomAD no frequency). This missense change has been observed in individual(s) with dyslipidemia (PMID: 36325899). Invitae Evidence Modeling of protein sequence and biophysical properties (such as structural, functional, and spatial information, amino acid conservation, physicochemical variation, residue mobility, and thermodynamic stability) indicates that this missense variant is expected to disrupt LIPC protein function with a positive predictive value of 80%. In summary, the available evidence is currently insufficient to determine the role of this variant in disease. Therefore, it has been classified as a Variant of Uncertain Significance.

Literature cited by the submitters: PubMed 36325899.